The following is an entry in ClinVar:

NM_001366385.1(CARD14):c.2690del (p.Lys897fs)

Genes: CARD14 (caspase recruitment domain family member 14; plus strand), SGSH (N-sulfoglucosamine sulfohydrolase; minus strand), LOC126862662 (MED14-independent group 3 enhancer GRCh37_chr17:78178385-78179584; plus strand). Cytogenetic location: 17q25.3.
Variant type: Deletion.
Coding change: c.2690del on transcript NM_001366385.1 (MANE Select); coding-DNA position 2690, one base deleted (A; older notation c.2690delA).
Protein change: p.Lys897fs; shifts the reading frame from lysine 897.
Molecular consequence: frameshift variant. On other transcripts: non-coding transcript variant (1).
Genome position (GRCh38, 1-based): chr17:80,205,651, A deleted; the last of 4 consecutive A bases (chr17:80,205,648-80,205,651); deleting any one gives the same sequence. VCF-style (leftmost placement, unchanged base first): chr17-80205647-GA-G. GRCh37 (hg19) VCF-style: chr17-78179446-GA-G.
Other names: c.2690del, p.Lys897fs (NM_024110.4); short protein forms K897fs.
Identifiers: ClinVar variation 1943516 (VCV001943516.5), dbSNP rs2510780528, ClinGen allele CA2576415149.

ClinVar aggregate classification (germline): Uncertain significance (1 of 4 stars; one submission).

Conditions:
Pityriasis rubra pilaris (PRP). Also called: Pityriasis rubra pilaris--familial type. Identifiers: Orphanet 2897, MedGen C0032027, MONDO:0100017, OMIM 173200, MONDO:0008251.
Psoriasis 2. Identifiers: MedGen C1864497, MONDO:0011269, OMIM 602723.

Submission:

Labcorp Genetics (formerly Invitae), Labcorp
Classification: Uncertain significance for Pityriasis rubra pilaris; Psoriasis 2. Last evaluated: 2022-11-08. Review status: criteria provided, single submitter. Criteria: Invitae Variant Classification Sherloc (09022015). Collection method: clinical testing. Allele origin: germline.
Comment: In summary, the available evidence is currently insufficient to determine the role of this variant in disease. Therefore, it has been classified as a Variant of Uncertain Significance. Experimental studies and prediction algorithms are not available or were not evaluated, and the functional significance of this variant is currently unknown. This variant has not been reported in the literature in individuals affected with CARD14-related conditions. This variant is not present in population databases (gnomAD no frequency). This sequence change results in a frameshift in the CARD14 gene (p.Lys897Argfs*125). While this is not anticipated to result in nonsense mediated decay, it is expected to disrupt the last 108 amino acid(s) of the CARD14 protein and extend the protein by 16 additional amino acid residues.